The following is an entry in ClinVar:

NM_005726.6(TSFM):c.484-1G>T

Gene: TSFM (Ts translation elongation factor, mitochondrial; plus strand). Cytogenetic location: 12q14.1.
Variant type: single nucleotide variant.
Coding change: c.484-1G>T on transcript NM_005726.6 (MANE Select); the canonical splice acceptor site of the intron before coding-DNA position 484, G replaced by T.
Molecular consequence: splice acceptor variant. On other transcripts: intron variant (1).
Genome position (GRCh38, 1-based): chr12:57,792,985, G>T. VCF-style: chr12-57792985-G-T. GRCh37 (hg19) VCF-style: chr12-58186768-G-T.
Other names: c.484-1G>T (NM_001172697.2); c.547-1G>T (NM_001172696.2); c.484-3192G>T (NM_001172695.2).
Identifiers: ClinVar variation 964084 (VCV000964084.9), dbSNP rs753609161, ClinGen allele CA385528876.
Genomic context (GRCh38, chr12:57,792,985, plus strand): 5'-ATTCTTTTGATAATTTGAATAGTACAGAATCAGTTCATGTTTGTTTTCTTCGTGCACTTA[G>T]GGTTTCTTGAATTCCTCTGAGCTTTCTGGACTTCCAGCTGGGCCTGACAGAGAAGGCTCA-3'

ClinVar aggregate classification (germline): Likely pathogenic. Review status: criteria provided, multiple submitters, no conflicts (2 of 4 stars). 2 submissions from 2 submitters: Likely pathogenic (2). Last evaluated 2024-12-27.

Conditions:
Fatal mitochondrial disease due to combined oxidative phosphorylation defect type 3. Also called: Combined oxidative phosphorylation deficiency 3; ENCEPHALOMYOPATHY, RESPIRATORY FAILURE, AND LACTIC ACIDOSIS. Identifiers: Orphanet 168566, MedGen C1864840, MONDO:0012512, OMIM 610505.

Submissions (2):

Natera, Inc.
Classification: Likely pathogenic for Combined oxidative phosphorylation deficiency 3. Last evaluated: 2024-12-27. Review status: criteria provided, single submitter. Criteria: Natera Variant Classification Schema (03/2026). Collection method: clinical testing. Allele origin: germline.
Comment: The c.547-1G>T variant in TSFM is a canonical splice acceptor site variant predicted to affect pre-mRNA splicing, which may result in an abnormal transcript and altered protein product. This variant is expected to result in nonsense mediated decay, truncation, or a dysfunctional protein product. This variant is rare in the general population with a frequency below the threshold expected for the associated phenotype(s). Given the available evidence, this variant is classified as Likely Pathogenic.

Labcorp Genetics (formerly Invitae), Labcorp
Classification: Likely pathogenic. Last evaluated: 2019-09-24. Review status: criteria provided, single submitter. Criteria: Invitae Variant Classification Sherloc (09022015). Collection method: clinical testing. Allele origin: germline.
Comment: This sequence change affects an acceptor splice site in intron 5 of the TSFM gene. It is expected to disrupt RNA splicing and likely results in an absent or disrupted protein product. This variant is not present in population databases (ExAC no frequency). This variant has not been reported in the literature in individuals with TSFM-related conditions. Algorithms developed to predict the effect of sequence changes on RNA splicing suggest that this variant may disrupt the consensus splice site, but this prediction has not been confirmed by published transcriptional studies. Donor and acceptor splice site variants typically lead to a loss of protein function (PMID: 16199547), and loss-of-function variants in TSFM are known to be pathogenic (PMID: 17033963, 27677415, 25037205, 20435138). In summary, the currently available evidence indicates that the variant is pathogenic, but additional data are needed to prove that conclusively. Therefore, this variant has been classified as Likely Pathogenic.

Literature cited by the submitters: PubMed 16199547 (cited by Labcorp Genetics (formerly Invitae), Labcorp); PubMed 17033963 (cited by Labcorp Genetics (formerly Invitae), Labcorp); PubMed 27677415 (cited by Labcorp Genetics (formerly Invitae), Labcorp); PubMed 25037205 (cited by Labcorp Genetics (formerly Invitae), Labcorp); PubMed 20435138 (cited by Labcorp Genetics (formerly Invitae), Labcorp).